The following is an entry in ClinVar:

ClinVar aggregate classification (germline): Uncertain significance (1 of 4 stars; one submission).

Conditions:
Ellis-van Creveld syndrome (EVC). Also called: EVC-Related Ellis-van Creveld Syndrome; EVC2-Related Ellis-van Creveld Syndrome; Chondroectodermal dysplasia; MESOECTODERMAL DYSPLASIA. Identifiers: Orphanet 289, MedGen C0013903, MONDO:0009162, OMIM 225500.
Curry-Hall syndrome (WAD). Also called: WEYERS ACRODENTAL DYSOSTOSIS. Identifiers: Orphanet 952, MedGen C0457013, MONDO:0008673, OMIM 193530.

Submission:

Labcorp Genetics (formerly Invitae), Labcorp
Classification: Uncertain significance for Curry-Hall syndrome; Ellis-van Creveld syndrome. Last evaluated: 2022-07-17. Review status: criteria provided, single submitter. Criteria: Invitae Variant Classification Sherloc (09022015). Collection method: clinical testing. Allele origin: germline.
Comment: In summary, the available evidence is currently insufficient to determine the role of this variant in disease. Therefore, it has been classified as a Variant of Uncertain Significance. Experimental studies and prediction algorithms are not available or were not evaluated, and the effect of this variant on mRNA splicing is currently unknown. This variant has not been reported in the literature in individuals affected with EVC-related conditions. Information on the frequency of this variant in the gnomAD database is not available, as this variant may be reported differently in the database. This sequence change falls in intron 20 of the EVC gene. It does not directly change the encoded amino acid sequence of the EVC protein.

NM_153717.3(EVC):c.2894+18_2894+19delinsGA

Gene: EVC (EvC ciliary complex subunit 1; plus strand). Cytogenetic location: 4p16.2.
Variant type: Indel.
Coding change: c.2894+18_2894+19delinsGA on transcript NM_153717.3 (MANE Select); bases 18 to 19 of the intron after coding-DNA position 2894, AC replaced by GA.
Molecular consequence: intron variant.
Genome position (GRCh38, 1-based): chr4:5,810,468-5,810,469, AC replaced by GA. VCF-style: chr4-5810468-AC-GA. GRCh37 (hg19) VCF-style: chr4-5812195-AC-GA.
Other names: c.2894+18_2894+19delinsGA (NM_001306090.2).
Identifiers: ClinVar variation 2168297 (VCV002168297.4), dbSNP rs2474708679, ClinGen allele CA2580070906.